The following is an entry in ClinVar:

NM_005518.4(HMGCS2):c.1187+1G>C

Gene: HMGCS2 (3-hydroxy-3-methylglutaryl-CoA synthase 2; minus strand). Cytogenetic location: 1p12.
Variant type: single nucleotide variant.
Coding change: c.1187+1G>C on transcript NM_005518.4 (MANE Select); the canonical splice donor site of the intron after coding-DNA position 1187, G replaced by C.
Molecular consequence: splice donor variant.
Genome position (GRCh38, 1-based): chr1:119,755,426, C>G on the plus strand (G>C on the coding strand, the complement: HMGCS2 is on the minus strand). VCF-style: chr1-119755426-C-G. GRCh37 (hg19) VCF-style: chr1-120298049-C-G.
Other names: c.1061+1G>C (NM_001166107.1).
Identifiers: ClinVar variation 590814 (VCV000590814.6), dbSNP rs764706394, ClinGen allele CA1037656.

ClinVar aggregate classification (germline): Likely pathogenic. Review status: criteria provided, multiple submitters, no conflicts (2 of 4 stars). 4 submissions from 4 submitters: Likely pathogenic (3). 1 of the submissions does not count toward it. Last evaluated 2024-03-08.

Conditions:
3-hydroxy-3-methylglutaryl-CoA synthase deficiency (HMGCS2D). Also called: HMG-CoA synthase-2 deficiency; MITOCHONDRIAL HMG-CoA SYNTHASE DEFICIENCY; HMGCS2 DEFICIENCY. Identifiers: Orphanet 35701, MedGen C2751532, MONDO:0011614, OMIM 605911.

Allele frequency attached by ClinVar (database versions not stated): gnomAD exomes below 0.00001 and 0.00001; ExAC 0.00001; TOPMed 0.00001.
gnomAD v4.1: 4 of 1,614,038 alleles (0.00025%); highest among the groups gnomAD compares: East Asian, 0.0067%; no homozygotes.

Submissions (4):

Fulgent Genetics
Classification: Likely pathogenic for 3-hydroxy-3-methylglutaryl-CoA synthase deficiency. Last evaluated: 2024-03-08. Review status: criteria provided, single submitter. Criteria: ACMG Guidelines, 2015. Collection method: clinical testing. Allele origin: germline.

Women's Health and Genetics/Laboratory Corporation of America, LabCorp
Classification: Likely pathogenic for 3-hydroxy-3-methylglutaryl-CoA synthase deficiency. Last evaluated: 2024-03-07. Review status: criteria provided, single submitter. Criteria: LabCorp Variant Classification Summary - May 2015. Collection method: clinical testing. Allele origin: germline.
Comment: Variant summary: HMGCS2 c.1187+1G>C is located in a canonical splice-site and is predicted to affect mRNA splicing resulting in a significantly altered protein due to either exon skipping, shortening, or inclusion of intronic material. Several computational tools predict a significant impact on normal splicing: Four predict the variant abolishes a canonical 5' splicing donor site. However, these predictions have yet to be confirmed by functional studies. The variant allele was found at a frequency of 1.2e-05 in 251448 control chromosomes (gnomAD). c.1187+1G>C has been reported in the literature in an individual affected with 3-hydroxy-3-methylglutaryl-CoA synthase deficiency (Wu_2021). These data do not allow any conclusion about variant significance. To our knowledge, no experimental evidence demonstrating an impact on protein function has been reported. The following publication has been ascertained in the context of this evaluation (PMID: 35308163). ClinVar contains an entry for this variant (Variation ID: 590814). Based on the evidence outlined above, the variant was classified as likely pathogenic.

Juno Genomics, Hangzhou Juno Genomics, Inc
Classification: Likely pathogenic for 3-hydroxy-3-methylglutaryl-CoA synthase deficiency. Review status: criteria provided, single submitter. Criteria: ACMG Guidelines, 2015. Collection method: clinical testing. Allele origin: germline. Affected: yes.
Comment: Null variant in a gene where loss of function (LOF) is a known mechanism of disease.;Absent from controls (or at extremely low frequency if recessive) in Genome Aggregation Database, Exome Sequencing Project, 1000 Genomes Project, or Exome Aggregation Consortium.;For recessive disorders, detected in trans with a pathogenic variant.;Patient's phenotype or family history is highly specific for a disease with a single genetic etiology.

SingHealth Duke-NUS Institute of Precision Medicine
Classification: Likely pathogenic for 3-hydroxy-3-methylglutaryl-CoA synthase deficiency. Last evaluated: 2017-06-07. Review status: no assertion criteria provided. Collection method: curation. Allele origin: germline. Affected: no. Not counted in ClinVar's aggregate classification.

Literature cited by the submitters: PubMed 35308163 (cited by Women's Health and Genetics/Laboratory Corporation of America, LabCorp).